The following is an entry in ClinVar:

ClinVar aggregate classification (germline): Uncertain significance (1 of 4 stars; one submission).

Conditions:
Inborn genetic diseases. Identifiers: MedGen C0950123, MeSH D030342.

Allele frequency attached by ClinVar (database versions not stated): gnomAD exomes below 0.00001; ExAC 0.00001.
gnomAD v4.1: 2 of 1,614,168 alleles (0.00012%); highest among the groups gnomAD compares: Non-Finnish European, 0.00017%; no homozygotes.

Submission:

Ambry Genetics
Classification: Uncertain significance for Inborn genetic diseases. Last evaluated: 2021-11-09. Review status: criteria provided, single submitter. Criteria: Ambry Variant Classification Scheme 2023. Collection method: clinical testing. Allele origin: germline.
Comment: The p.L226V variant (also known as c.676C>G), located in coding exon 6 of the BSCL2 gene, results from a C to G substitution at nucleotide position 676. The leucine at codon 226 is replaced by valine, an amino acid with highly similar properties. This amino acid position is conserved. In addition, this alteration is predicted to be tolerated by in silico analysis. Since supporting evidence is limited at this time, the clinical significance of this alteration remains unclear.

NM_001122955.4(BSCL2):c.868C>G (p.Leu290Val)

Genes: BSCL2 (BSCL2 lipid droplet biogenesis associated, seipin; minus strand), HNRNPUL2-BSCL2 (HNRNPUL2-BSCL2 readthrough (NMD candidate); minus strand). Cytogenetic location: 11q12.3.
Variant type: single nucleotide variant.
Coding change: c.868C>G on transcript NM_001122955.4 (MANE Select); coding-DNA position 868, C replaced by G.
Protein change: p.Leu290Val; replaces leucine 290 with valine.
Molecular consequence: missense variant. On other transcripts: non-coding transcript variant (1), intron variant (1).
Genome position (GRCh38, 1-based): chr11:62,691,417, G>C on the plus strand (C>G on the coding strand, the complement: BSCL2 is on the minus strand). VCF-style: chr11-62691417-G-C. GRCh37 (hg19) VCF-style: chr11-62458889-G-C.
Other names: c.868C>G, p.Leu290Val (NM_001386027.1, NM_001386028.1); c.676C>G, p.Leu226Val (NM_032667.6); c.672-276C>G (NM_001130702.2); short protein forms L226V, L290V.
Identifiers: ClinVar variation 1755333 (VCV001755333.2), dbSNP rs772582974, ClinGen allele CA6053418.
Genomic context (GRCh38, chr11:62,691,417, plus strand): 5'-GGAAGGTGAAGTTGCTGGCAACACCTATGAAGGCGCAGGTCATCGGGAAGTTGTATAGCA[G>C]GTATCTGAGGCAGGAAGTAGGGACAAGAAGGTAGTAGCAGTTACCAGAGAGCACCAGCCT-3'
Protein context (NP_001116427.1, residues 280-300): IHAHFTGLRY[Leu290Val]LYNFPMTCAF